The following is an entry in ClinVar:

ClinVar aggregate classification (germline): Likely risk allele (0 of 4 stars; one submission).

Conditions:
Pulmonary fibrosis. Identifiers: MedGen C0034069, MONDO:0002771, HP:0002206.

Submission:

Garcia Pulmonary Genetics Research Laboratory, Columbia University Irving Medical Center
Classification: Likely risk allele for Pulmonary fibrosis. Last evaluated: 2022-06-09. Review status: no assertion criteria provided. Collection method: research. Allele origin: germline. Affected: yes.
Comment: Leukocyte telomere length (by qPCR) less than 10th percentile age-adjusted

NM_198253.3(TERT):c.1710G>T (p.Lys570Asn)

Gene: TERT (telomerase reverse transcriptase; minus strand). Cytogenetic location: 5p15.33.
Variant type: single nucleotide variant.
Coding change: c.1710G>T on transcript NM_198253.3 (MANE Select); coding-DNA position 1710, G replaced by T.
Protein change: p.Lys570Asn; replaces lysine 570 with asparagine.
Molecular consequence: missense variant. On other transcripts: non-coding transcript variant (2).
Genome position (GRCh38, 1-based): chr5:1,282,488, C>A on the plus strand (G>T on the coding strand, the complement: TERT is on the minus strand). VCF-style: chr5-1282488-C-A. GRCh37 (hg19) VCF-style: chr5-1282603-C-A.
Other names: p.Lys570Asn; c.1710G>T, p.Lys570Asn (NM_001193376.3); short protein forms K570N.
Identifiers: ClinVar variation 1695955 (VCV001695955.1), dbSNP rs1554041299, ClinGen allele CA359082989.